The following is an entry in ClinVar:

ClinVar aggregate classification (germline): Likely benign. Review status: criteria provided, multiple submitters, no conflicts (2 of 4 stars). 2 submissions from 2 submitters: Likely benign (2). Last evaluated 2025-03-12.

Allele frequency attached by ClinVar (database versions not stated): gnomAD 0.00001; gnomAD exomes 0.00002 and 0.00003; TOPMed 0.00002; ESP Exome Variant Server 0.00008.
gnomAD v4.1: 44 of 1,613,958 alleles (0.0027%); highest among the groups gnomAD compares: Non-Finnish European, 0.0034%; no homozygotes.

Submissions (2):

Labcorp Genetics (formerly Invitae), Labcorp
Classification: Likely benign. Last evaluated: 2025-03-12. Review status: criteria provided, single submitter. Criteria: Invitae Variant Classification Sherloc (09022015). Collection method: clinical testing. Allele origin: germline.

CeGaT Center for Human Genetics Tuebingen
Classification: Likely benign. Last evaluated: 2022-11-01. Review status: criteria provided, single submitter. Criteria: CeGaT Center For Human Genetics Tuebingen Variant Classification Criteria Version 2. Collection method: clinical testing. Allele origin: germline. Affected: yes. Observed: 1 variant allele.
Comment: ADGRG1: BP4, BP7

NM_201525.4(ADGRG1):c.447C>T (p.Ile149=)

Gene: ADGRG1 (adhesion G protein-coupled receptor G1; plus strand). Cytogenetic location: 16q21.
Variant type: single nucleotide variant.
Coding change: c.447C>T on transcript NM_201525.4 (MANE Select); coding-DNA position 447, C replaced by T.
Protein change: p.Ile149=; no amino-acid change (isoleucine 149 retained).
Molecular consequence: synonymous variant. On other transcripts: 5 prime UTR variant (5), intron variant (1).
Genome position (GRCh38, 1-based): chr16:57,651,582, C>T. VCF-style: chr16-57651582-C-T. GRCh37 (hg19) VCF-style: chr16-57685494-C-T.
Other names: c.447C>T, p.Ile149= (NM_001145770.3, NM_001145771.3, NM_001145772.3 and 16 more transcripts); c.462C>T, p.Ile154= (NM_001145773.3, NM_001370433.1); c.-79C>T (NM_001290143.2, NM_001290144.2, NM_001370451.1 and 2 more transcripts); c.291C>T, p.Ile97= (NM_001370442.1); c.110+337C>T (NM_001290142.2).
Identifiers: ClinVar variation 1162017 (VCV001162017.32), dbSNP rs369913361, ClinGen allele CA281572856.